The following is an entry in ClinVar:

ClinVar aggregate classification (germline): Uncertain significance. Review status: criteria provided, multiple submitters, no conflicts (2 of 4 stars). 2 submissions from 2 submitters: Uncertain significance (2). Last evaluated 2024-10-22.

Submissions (2):

Labcorp Genetics (formerly Invitae), Labcorp
Classification: Uncertain significance. Last evaluated: 2024-10-22. Review status: criteria provided, single submitter. Criteria: Invitae Variant Classification Sherloc (09022015). Collection method: clinical testing. Allele origin: germline.
Comment: This sequence change affects an acceptor splice site in intron 2 of the TM4SF20 gene. It is expected to disrupt RNA splicing. Variants that disrupt the donor or acceptor splice site typically lead to a loss of protein function (PMID: 16199547), however the current clinical and genetic evidence is not sufficient to establish whether loss-of-function variants in TM4SF20 cause disease. This variant is present in population databases (rs770367143, gnomAD 0.05%). This variant has not been reported in the literature in individuals affected with TM4SF20-related conditions. Algorithms developed to predict the effect of sequence changes on RNA splicing suggest that this variant may disrupt the consensus splice site. In summary, the available evidence is currently insufficient to determine the role of this variant in disease. Therefore, it has been classified as a Variant of Uncertain Significance.

Women's Health and Genetics/Laboratory Corporation of America, LabCorp
Classification: Uncertain significance. Last evaluated: 2024-08-13. Review status: criteria provided, single submitter. Criteria: LabCorp Variant Classification Summary - May 2015. Collection method: clinical testing. Allele origin: germline.
Comment: Variant summary: TM4SF20 c.250-2A>G is located in a canonical splice-site and is predicted to affect mRNA splicing resulting in a significantly altered protein due to either exon skipping, shortening, or inclusion of intronic material. Variants that disrupt the consensus splice site are a relatively common cause of aberrant splicing, however current evidence is not sufficient to establish loss of function as a mechanism for disease. Several computational tools predict a significant impact on normal splicing: Four predict the variant abolishes a 3' acceptor site. However, these predictions have yet to be confirmed by functional studies. The variant allele was found at a frequency of 2e-05 in 246274 control chromosomes. The available data on variant occurrences in the general population are insufficient to allow any conclusion about variant significance. To our knowledge, no occurrence of c.250-2A>G in individuals affected with Specific Language Impairment 5 and no experimental evidence demonstrating its impact on protein function have been reported. No submitters have cited clinical-significance assessments for this variant to ClinVar. Based on the evidence outlined above, the variant was classified as uncertain significance.

Literature cited by the submitters: PubMed 16199547 (cited by Labcorp Genetics (formerly Invitae), Labcorp).

NM_024795.4(TM4SF20):c.250-2A>G

Gene: TM4SF20 (transmembrane 4 L six family member 20; minus strand). Cytogenetic location: 2q36.3.
Variant type: single nucleotide variant.
Coding change: c.250-2A>G on transcript NM_024795.4 (MANE Select); the canonical splice acceptor site of the intron before coding-DNA position 250, A replaced by G.
Molecular consequence: splice acceptor variant.
Genome position (GRCh38, 1-based): chr2:227,366,246, T>C on the plus strand (A>G on the coding strand, the complement: TM4SF20 is on the minus strand). VCF-style: chr2-227366246-T-C. GRCh37 (hg19) VCF-style: chr2-228230962-T-C.
Identifiers: ClinVar variation 3366829 (VCV003366829.3).